The following is an entry in ClinVar:

NM_014244.5(ADAMTS2):c.108_109insAGCA (p.Ala37fs)

Gene: ADAMTS2 (ADAM metallopeptidase with thrombospondin type 1 motif 2; minus strand). Cytogenetic location: 5q35.3.
Variant type: Insertion.
Coding change: c.108_109insAGCA on transcript NM_014244.5 (MANE Select); coding-DNA positions 108 to 109, AGCA inserted.
Protein change: p.Ala37fs; shifts the reading frame from alanine 37.
Molecular consequence: frameshift variant.
Genome position: GRCh38 VCF-style: chr5-179345220-C-CTGCT. GRCh37 (hg19) VCF-style: chr5-178772221-C-CTGCT.
Other names: c.108_109insAGCA, p.Ala37fs (NM_021599.4); short protein forms A37fs.
Identifiers: ClinVar variation 5010871 (VCV005010871.1).

ClinVar aggregate classification (germline): Pathogenic (1 of 4 stars; one submission).

Conditions:
Ehlers-Danlos syndrome, dermatosparaxis type. Also called: EDS VIIC; Dermatosparaxis; Ehlers-Danlos syndrome, type VII, autosomal recessive. Identifiers: Orphanet 1901, MedGen C2700425, MONDO:0009161, OMIM 225410.

Submission:

Myriad Genetics, Inc.
Classification: Pathogenic for Ehlers-Danlos syndrome, dermatosparaxis type. Last evaluated: 2024-05-14. Review status: criteria provided, single submitter. Criteria: Myriad Autosomal Dominant, Autosomal Recessive and X-Linked Classification Criteria (2023). Collection method: clinical testing. Allele origin: unknown.
Comment: NM_014244.4(ADAMTS2):c.108_109insAGCA(A37Sfs*30) is expected to be pathogenic in the context of Ehlers-Danlos syndrome, ADAMTS2-related. This variant is predicted to lead to an abnormal or absent protein product due to the creation of a premature termination codon in ADAMTS2, a gene where loss-of-function variants are known to be pathogenic. Please note: this variant was assessed in the context of healthy population screening.